The following is an entry in ClinVar:

NM_024747.6(HPS6):c.541A>G (p.Thr181Ala)

Gene: HPS6 (HPS6 biogenesis of lysosomal organelles complex 2 subunit 3; plus strand). Cytogenetic location: 10q24.32.
Variant type: single nucleotide variant.
Coding change: c.541A>G on transcript NM_024747.6 (MANE Select); coding-DNA position 541, A replaced by G.
Protein change: p.Thr181Ala; replaces threonine 181 with alanine.
Molecular consequence: missense variant.
Genome position (GRCh38, 1-based): chr10:102,066,015, A>G. VCF-style: chr10-102066015-A-G. GRCh37 (hg19) VCF-style: chr10-103825772-A-G.
Other names: short protein forms T181A.
Identifiers: ClinVar variation 435461 (VCV000435461.15), dbSNP rs144257610, ClinGen allele CA5659805.

ClinVar aggregate classification (germline): Conflicting classifications of pathogenicity. Review status: criteria provided, conflicting classifications (1 of 4 stars). 5 submissions from 5 submitters: Uncertain significance (4); Likely benign (1). Last evaluated 2026-02-25.

Conditions:
HPS6-related disorder. Also called: HPS6-related condition.
Inborn genetic diseases. Identifiers: MedGen C0950123, MeSH D030342.
Hermansky-Pudlak syndrome 6 (HPS6). Identifiers: Orphanet 231512, Orphanet 79430, MedGen C3888007, MONDO:0013558, OMIM 614075.

Allele frequency attached by ClinVar (database versions not stated): gnomAD 0.00015 and 0.00019; 1000 Genomes Project 30x 0.00016; ExAC 0.00018; 1000 Genomes Project 0.00020; gnomAD exomes 0.00021 and 0.00028; TOPMed 0.00022; ESP Exome Variant Server 0.00023.

Submissions (5):

PreventionGenetics, part of Exact Sciences
Classification: Uncertain significance for HPS6-related condition. Last evaluated: 2026-02-25. Review status: criteria provided, single submitter. Criteria: ACMG Guidelines, 2015. Collection method: clinical testing. Allele origin: germline.
Comment: The HPS6 c.541A>G variant is predicted to result in the amino acid substitution p.Thr181Ala. To our knowledge, this variant has not been reported in the literature. This variant is reported in 0.040% of alleles in individuals of Latino descent in gnomAD. At this time, the clinical significance of this variant is uncertain due to the absence of conclusive functional and genetic evidence.

Ambry Genetics
Classification: Uncertain significance for Inborn genetic diseases. Last evaluated: 2024-01-19. Review status: criteria provided, single submitter. Criteria: Ambry Variant Classification Scheme 2023. Collection method: clinical testing. Allele origin: germline.

Labcorp Genetics (formerly Invitae), Labcorp
Classification: Uncertain significance. Last evaluated: 2022-08-16. Review status: criteria provided, single submitter. Criteria: Invitae Variant Classification Sherloc (09022015). Collection method: clinical testing. Allele origin: germline.
Comment: This sequence change replaces threonine, which is neutral and polar, with alanine, which is neutral and non-polar, at codon 181 of the HPS6 protein (p.Thr181Ala). This variant is present in population databases (rs144257610, gnomAD 0.04%). This variant has not been reported in the literature in individuals affected with HPS6-related conditions. ClinVar contains an entry for this variant (Variation ID: 435461). Algorithms developed to predict the effect of missense changes on protein structure and function (SIFT, PolyPhen-2, Align-GVGD) all suggest that this variant is likely to be tolerated. In summary, the available evidence is currently insufficient to determine the role of this variant in disease. Therefore, it has been classified as a Variant of Uncertain Significance.

Illumina Laboratory Services, Illumina
Classification: Uncertain significance for Hermansky-Pudlak syndrome 6. Last evaluated: 2017-04-27. Review status: criteria provided, single submitter. Criteria: ICSL Variant Classification Criteria 13 December 2019. Collection method: clinical testing. Allele origin: germline.

Genetic Services Laboratory, University of Chicago
Classification: Likely benign. Last evaluated: 2017-02-20. Review status: criteria provided, single submitter. Criteria: ACMG Guidelines, 2015. Collection method: clinical testing. Allele origin: germline. Affected: no.